The following is an entry in ClinVar:

NM_182914.3(SYNE2):c.257_259del (p.Asn86del)

Gene: SYNE2 (spectrin repeat containing nuclear envelope protein 2; plus strand). Cytogenetic location: 14q23.2.
Variant type: Deletion.
Coding change: c.257_259del on transcript NM_182914.3 (MANE Select); coding-DNA positions 257 to 259, 3 bases deleted (ATA; older notation c.257_259delATA).
Protein change: p.Asn86del; deletes asparagine 86.
Molecular consequence: inframe deletion.
Genome position (GRCh38, 1-based): chr14:63,941,904-63,941,906, ATA deleted; deleting any 3 consecutive bases within chr14:63,941,902-63,941,906 gives the same sequence; the c. name uses the placement nearest the transcript's 3' end. VCF-style (leftmost placement, unchanged base first): chr14-63941901-CTAA-C. GRCh37 (hg19) VCF-style: chr14-64408619-CTAA-C.
Other names: c.257_259del, p.Asn86del (NM_015180.6); short protein forms N86del.
Identifiers: ClinVar variation 5038100 (VCV005038100.1).
Genomic context (GRCh38, chr14:63,941,901, plus strand): 5'-GTATTTCATTTTTTCTGAGTAATATATTTGCTTGAATTTCACAGCCTCGGGATAAAGGAT[CTAA>C]TACCTTCCAGTGTAGAATCAATATAGAACATGCCTTGACATTCCTAAGAAACCGATCAGT-3'

ClinVar aggregate classification (germline): Uncertain significance (1 of 4 stars; one submission).

Conditions:
Emery-Dreifuss muscular dystrophy 5, autosomal dominant (EDMD5). Also called: EMERY-DREIFUSS MUSCULAR DYSTROPHY 5. Identifiers: Orphanet 261, MedGen C2751805, MONDO:0013072, OMIM 612999.

Submission:

MVZ Medizinische Genetik Mainz
Classification: Uncertain significance for Emery-Dreifuss muscular dystrophy 5, autosomal dominant. Last evaluated: 2025-12-04. Review status: criteria provided, single submitter. Criteria: UK Practice Guidelines For Variant Classification V4 01 2020. Collection method: clinical testing. Allele origin: germline. Inheritance: Autosomal dominant inheritance. Affected: yes. Observed: 1 variant allele.
Comment: ACMG Criteria: PM2_SUP,PM4_SUP,PP3